The following is an entry in ClinVar:

ClinVar aggregate classification (germline): Uncertain significance (1 of 4 stars; one submission).

Conditions:
Brugada syndrome. Also called: Sudden unexpected nocturnal death syndrome; Sudden unexplained nocturnal death syndrome; Sudden Unexplained Death Syndrome; Sudden Unexplained Nocturnal Death Syndrome (SUNDS). Identifiers: Orphanet 130, MedGen C1142166, MONDO:0015263.

gnomAD v4.1: 7 of 1,569,462 alleles (0.00045%); highest among the groups gnomAD compares: Admixed American, 0.0036%; no homozygotes.

Submission:

Labcorp Genetics (formerly Invitae), Labcorp
Classification: Uncertain significance for Brugada syndrome. Last evaluated: 2026-02-01. Review status: criteria provided, single submitter. Criteria: Invitae Variant Classification Sherloc (09022015). Collection method: clinical testing. Allele origin: germline.
Comment: This sequence change replaces threonine, which is neutral and polar, with serine, which is neutral and polar, at codon 619 of the CACNA2D1 protein (p.Thr619Ser). The frequency data for this variant in the population databases is considered unreliable, as metrics indicate poor data quality at this position in the gnomAD database. This variant has not been reported in the literature in individuals affected with CACNA2D1-related conditions. An algorithm developed to predict the effect of missense changes on protein structure and function (PolyPhen-2) suggests that this variant is likely to be tolerated. In summary, the available evidence is currently insufficient to determine the role of this variant in disease. Therefore, it has been classified as a Variant of Uncertain Significance.

NM_000722.4(CACNA2D1):c.1855A>T (p.Thr619Ser)

Gene: CACNA2D1 (calcium voltage-gated channel auxiliary subunit alpha2delta 1; minus strand). Cytogenetic location: 7q21.11.
Variant type: single nucleotide variant.
Coding change: c.1855A>T on transcript NM_000722.4 (MANE Select); coding-DNA position 1855, A replaced by T.
Protein change: p.Thr619Ser; replaces threonine 619 with serine.
Molecular consequence: missense variant.
Genome position (GRCh38, 1-based): chr7:81,984,653, T>A on the plus strand (A>T on the coding strand, the complement: CACNA2D1 is on the minus strand). VCF-style: chr7-81984653-T-A. GRCh37 (hg19) VCF-style: chr7-81613969-T-A.
Other names: c.1912A>T, p.Thr638Ser (NM_001366867.1); short protein forms T619S, T638S.
Identifiers: ClinVar variation 4749406 (VCV004749406.1).